The following is an entry in ClinVar:

NM_144573.4(NEXN):c.28-5T>A

Gene: NEXN (nexilin F-actin binding protein; plus strand). Cytogenetic location: 1p31.1.
Variant type: single nucleotide variant.
Coding change: c.28-5T>A on transcript NM_144573.4 (MANE Select); 5 bases into the intron before coding-DNA position 28, T replaced by A.
Molecular consequence: intron variant.
Genome position (GRCh38, 1-based): chr1:77,917,561, T>A. VCF-style: chr1-77917561-T-A. GRCh37 (hg19) VCF-style: chr1-78383246-T-A.
Other names: c.28-399T>A (NM_001172309.2).
Identifiers: ClinVar variation 5025489 (VCV005025489.1).

ClinVar aggregate classification (germline): Uncertain significance (1 of 4 stars; one submission).

Conditions:
Cardiovascular phenotype. Identifiers: MedGen CN230736.

gnomAD v4.1: 1 of 1,606,510 alleles (0.000062%); highest among the groups gnomAD compares: African/African-American, 0.0013%; no homozygotes.

Submission:

Ambry Genetics
Classification: Uncertain significance for Cardiovascular phenotype. Last evaluated: 2026-06-29. Review status: criteria provided, single submitter. Criteria: Ambry Variant Classification Scheme 2023. Collection method: clinical testing. Allele origin: germline.
Comment: The c.28-5T>A intronic variant results from a T to A substitution 5 nucleotides upstream from coding exon 2 in the NEXN gene. This nucleotide position is poorly conserved in available vertebrate species. In silico splice site analysis predicts that this alteration may weaken the native splice acceptor site and will result in the creation or strengthening of a novel splice acceptor site. Based on the available evidence, the clinical significance of this variant remains unclear.